The following is an entry in ClinVar:

ClinVar aggregate classification (germline): Benign/Likely benign. Review status: criteria provided, multiple submitters, no conflicts (2 of 4 stars). 3 submissions from 3 submitters: Benign (1); Likely benign (2). Last evaluated 2026-01-27.

Allele frequency attached by ClinVar (database versions not stated): ESP Exome Variant Server 0.00008; ExAC 0.00009; gnomAD exomes 0.00015; gnomAD 0.00027; TOPMed 0.00029.
gnomAD v4.1: 264 of 1,614,108 alleles (0.016%); highest among the groups gnomAD compares: Admixed American, 0.13%; no homozygotes.

Submissions (3):

Labcorp Genetics (formerly Invitae), Labcorp
Classification: Benign. Last evaluated: 2026-01-27. Review status: criteria provided, single submitter. Criteria: Invitae Variant Classification Sherloc (09022015). Collection method: clinical testing. Allele origin: germline.

Blueprint Genetics
Classification: Likely benign. Last evaluated: 2024-01-30. Review status: criteria provided, single submitter. Criteria: ACMG Guidelines, 2015. Collection method: clinical testing. Allele origin: germline.

CeGaT Center for Human Genetics Tuebingen
Classification: Likely benign. Last evaluated: 2023-04-01. Review status: criteria provided, single submitter. Criteria: CeGaT Center For Human Genetics Tuebingen Variant Classification Criteria Version 2. Collection method: clinical testing. Allele origin: germline. Affected: yes. Observed: 1 variant allele.
Comment: RERE: BP4, BP7, BS1

NM_001042681.2(RERE):c.1845C>T (p.Ser615=)

Gene: RERE (arginine-glutamic acid dipeptide repeats; minus strand). Cytogenetic location: 1p36.23.
Variant type: single nucleotide variant.
Coding change: c.1845C>T on transcript NM_001042681.2 (MANE Select); coding-DNA position 1845, C replaced by T.
Protein change: p.Ser615=; no amino-acid change (serine 615 retained).
Molecular consequence: synonymous variant.
Genome position (GRCh38, 1-based): chr1:8,362,740, G>A on the plus strand (C>T on the coding strand, the complement: RERE is on the minus strand). VCF-style: chr1-8362740-G-A. GRCh37 (hg19) VCF-style: chr1-8422800-G-A.
Other names: c.183C>T, p.Ser61= (NM_001042682.2); c.1845C>T, p.Ser615= (NM_012102.4).
Identifiers: ClinVar variation 2638176 (VCV002638176.28), dbSNP rs142221676, ClinGen allele CA571530.